The following is an entry in ClinVar:

NM_001394062.1(MACF1):c.11330C>T (p.Ala3777Val)

Gene: MACF1 (microtubule actin crosslinking factor 1; plus strand). Cytogenetic location: 1p34.3.
Variant type: single nucleotide variant.
Coding change: c.11330C>T on transcript NM_001394062.1 (MANE Select); coding-DNA position 11330, C replaced by T.
Protein change: p.Ala3777Val; replaces alanine 3777 with valine.
Molecular consequence: missense variant.
Genome position (GRCh38, 1-based): chr1:39,353,137, C>T. VCF-style: chr1-39353137-C-T. GRCh37 (hg19) VCF-style: chr1-39818809-C-T.
Other names: c.5144C>T, p.Ala1715Val (NM_012090.5); short protein forms A1715V, A3777V.
Identifiers: ClinVar variation 4527486 (VCV004527486.1).

ClinVar aggregate classification (germline): Uncertain significance (1 of 4 stars; one submission).

gnomAD v4.1: 2 of 1,613,996 alleles (0.00012%); highest among the groups gnomAD compares: South Asian, 0.0011%; no homozygotes.

Submission:

GeneDx
Classification: Uncertain significance. Last evaluated: 2025-04-25. Review status: criteria provided, single submitter. Criteria: GeneDx Variant Classification Process June 2021. Collection method: clinical testing. Allele origin: germline. Affected: yes.
Comment: Not observed at significant frequency in large population cohorts (gnomAD); In silico analysis indicates that this missense variant does not alter protein structure/function; Has not been previously published as pathogenic or benign to our knowledge